The following is an entry in ClinVar:

ClinVar aggregate classification (germline): Uncertain significance (1 of 4 stars; one submission).

Submission:

GeneDx
Classification: Uncertain significance. Last evaluated: 2024-11-11. Review status: criteria provided, single submitter. Criteria: GeneDx Variant Classification Process June 2021. Collection method: clinical testing. Allele origin: germline. Affected: yes.
Comment: Not observed at significant frequency in large population cohorts (gnomAD); In silico analysis supports that this missense variant has a deleterious effect on protein structure/function; Has not been previously published as pathogenic or benign to our knowledge

NM_003413.4(ZIC3):c.943C>G (p.Leu315Val)

Gene: ZIC3 (Zic family member 3; plus strand). Cytogenetic location: Xq26.3.
Variant type: single nucleotide variant.
Coding change: c.943C>G on transcript NM_003413.4 (MANE Select); coding-DNA position 943, C replaced by G.
Protein change: p.Leu315Val; replaces leucine 315 with valine.
Molecular consequence: missense variant.
Genome position (GRCh38, 1-based): chrX:137,567,634, C>G. VCF-style: chrX-137567634-C-G. GRCh37 (hg19) VCF-style: chrX-136649793-C-G.
Other names: c.943C>G, p.Leu315Val (NM_001330661.1); short protein forms L315V.
Identifiers: ClinVar variation 3899150 (VCV003899150.1).
Genomic context (GRCh38, chrX:137,567,634, plus strand): 5'-CACGTCTGCTACTGGGAGGAGTGCCCCCGGGAGGGCAAGTCTTTCAAGGCGAAGTACAAA[C>G]TGGTCAACCACATCCGAGTGCACACGGGCGAGAAGCCCTTCCCATGCCCCTTCCCGGGCT-3'
Protein context (NP_003404.1, residues 305-325): EGKSFKAKYK[Leu315Val]VNHIRVHTGE